The following is an entry in ClinVar:

NM_006013.5(RPL10):c.191-10C>T

Gene: RPL10 (ribosomal protein L10; plus strand). Cytogenetic location: Xq28.
Variant type: single nucleotide variant.
Coding change: c.191-10C>T on transcript NM_006013.5 (MANE Select); 10 bases into the intron before coding-DNA position 191, C replaced by T.
Molecular consequence: intron variant.
Genome position (GRCh38, 1-based): chrX:154,399,793, C>T. VCF-style: chrX-154399793-C-T. GRCh37 (hg19) VCF-style: chrX-153628134-C-T.
Other names: c.191-10C>T (NM_001303625.1, NM_001256577.2, NM_001303624.2 and 1 more transcripts); c.83-10C>T (NM_001256580.2).
Identifiers: ClinVar variation 1690503 (VCV001690503.2), dbSNP rs2148138570, ClinGen allele CA2573159322.

ClinVar aggregate classification (germline): Uncertain significance (1 of 4 stars; one submission).

gnomAD v4.1: 1 of 1,210,893 alleles (0.000083%); highest among the groups gnomAD compares: Non-Finnish European, 0.00011%; no homozygotes.

Submission:

Laboratorio de Genetica e Diagnostico Molecular, Hospital Israelita Albert Einstein
Classification: Uncertain significance. Last evaluated: 2021-11-29. Review status: criteria provided, single submitter. Criteria: ACMG Guidelines, 2015. Collection method: clinical testing. Allele origin: germline. Affected: yes.
Comment: ACMG classification criteria: PM2